The following is an entry in ClinVar:

NM_152468.5(TMC8):c.1218T>G (p.Cys406Trp)

Gene: TMC8 (transmembrane channel like 8; plus strand). Cytogenetic location: 17q25.3.
Variant type: single nucleotide variant.
Coding change: c.1218T>G on transcript NM_152468.5 (MANE Select); coding-DNA position 1218, T replaced by G.
Protein change: p.Cys406Trp; replaces cysteine 406 with tryptophan.
Molecular consequence: missense variant.
Genome position (GRCh38, 1-based): chr17:78,137,325, T>G. VCF-style: chr17-78137325-T-G. GRCh37 (hg19) VCF-style: chr17-76133406-T-G.
Other names: c.1218T>G (NM_152468.4); short protein forms C406W.
Identifiers: ClinVar variation 1400156 (VCV001400156.7), dbSNP rs753900323, ClinGen allele CA8796756.

ClinVar aggregate classification (germline): Uncertain significance. Review status: criteria provided, multiple submitters, no conflicts (2 of 4 stars). 2 submissions from 2 submitters: Uncertain significance (2). Last evaluated 2025-08-05.

Conditions:
Epidermodysplasia verruciformis. Identifiers: Orphanet 302, MedGen C0014522, MONDO:0009176.
Inborn genetic diseases. Identifiers: MedGen C0950123, MeSH D030342.

Allele frequency attached by ClinVar (database versions not stated): ExAC 0.00004; gnomAD 0.00004; TOPMed 0.00005; gnomAD exomes 0.00006.
gnomAD v4.1: 156 of 1,613,900 alleles (0.0097%); highest among the groups gnomAD compares: Non-Finnish European, 0.013%; no homozygotes.

Submissions (2):

Ambry Genetics
Classification: Uncertain significance for Inborn genetic diseases. Last evaluated: 2025-08-05. Review status: criteria provided, single submitter. Criteria: Ambry Variant Classification Scheme 2023. Collection method: clinical testing. Allele origin: germline.

Labcorp Genetics (formerly Invitae), Labcorp
Classification: Uncertain significance for Epidermodysplasia verruciformis. Last evaluated: 2022-02-24. Review status: criteria provided, single submitter. Criteria: Invitae Variant Classification Sherloc (09022015). Collection method: clinical testing. Allele origin: germline.
Comment: This sequence change replaces cysteine, which is neutral and slightly polar, with tryptophan, which is neutral and slightly polar, at codon 406 of the TMC8 protein (p.Cys406Trp). This variant is present in population databases (rs753900323, gnomAD 0.01%). This variant has not been reported in the literature in individuals affected with TMC8-related conditions. Algorithms developed to predict the effect of missense changes on protein structure and function are either unavailable or do not agree on the potential impact of this missense change (SIFT: "Deleterious"; PolyPhen-2: "Benign"; Align-GVGD: "Class C0"). Algorithms developed to predict the effect of sequence changes on RNA splicing suggest that this variant may disrupt the consensus splice site. In summary, the available evidence is currently insufficient to determine the role of this variant in disease. Therefore, it has been classified as a Variant of Uncertain Significance.